The following is an entry in ClinVar:

ClinVar aggregate classification (germline): Pathogenic (1 of 4 stars; one submission).

Conditions:
Legius syndrome. Identifiers: Orphanet 137605, MedGen C1969623, MONDO:0012669, OMIM 611431. Disease mechanism: loss of function.

Submission:

Labcorp Genetics (formerly Invitae), Labcorp
Classification: Pathogenic for Legius syndrome. Last evaluated: 2020-12-07. Review status: criteria provided, single submitter. Criteria: Invitae Variant Classification Sherloc (09022015). Collection method: clinical testing. Allele origin: germline.
Comment: For these reasons, this variant has been classified as Pathogenic. This variant has not been reported in the literature in individuals with SPRED1-related conditions. This variant is not present in population databases (ExAC no frequency). This sequence change creates a premature translational stop signal (p.Tyr14Metfs*8) in the SPRED1 gene. It is expected to result in an absent or disrupted protein product. Loss-of-function variants in SPRED1 are known to be pathogenic (PMID: 17704776).

Literature cited by the submitters: PubMed 17704776.

NM_152594.3(SPRED1):c.40del (p.Tyr14fs)

Gene: SPRED1 (sprouty related EVH1 domain containing 1; plus strand). Cytogenetic location: 15q14.
Variant type: Deletion.
Coding change: c.40del on transcript NM_152594.3 (MANE Select); coding-DNA position 40, one base deleted (T; older notation c.40delT).
Protein change: p.Tyr14fs; shifts the reading frame from tyrosine 14.
Molecular consequence: frameshift variant.
Genome position (GRCh38, 1-based): chr15:38,299,380, T deleted; the last of 2 consecutive T bases (chr15:38,299,379-38,299,380); deleting either gives the same sequence. VCF-style (leftmost placement, unchanged base first): chr15-38299378-GT-G. GRCh37 (hg19) VCF-style: chr15-38591579-GT-G.
Other names: short protein forms Y14fs.
Identifiers: ClinVar variation 1386579 (VCV001386579.6), dbSNP rs2140978331, ClinGen allele CA2573150665.